The following is an entry in ClinVar:

ClinVar aggregate classification (germline): Uncertain significance. Review status: criteria provided, multiple submitters, no conflicts (2 of 4 stars). 2 submissions from 2 submitters: Uncertain significance (2). Last evaluated 2025-08-14.

Conditions:
Progressive myoclonic epilepsy type 5. Identifiers: Orphanet 402082, MedGen C5190799.

Allele frequency attached by ClinVar (database versions not stated): gnomAD 0.00002; TOPMed 0.00004; ESP Exome Variant Server 0.00023.
gnomAD v4.1: 73 of 1,614,102 alleles (0.0045%); highest among the groups gnomAD compares: Middle Eastern, 0.016%; 1 homozygote.

Submissions (2):

Labcorp Genetics (formerly Invitae), Labcorp
Classification: Uncertain significance for Progressive myoclonic epilepsy type 5. Last evaluated: 2025-08-14. Review status: criteria provided, single submitter. Criteria: Invitae Variant Classification Sherloc (09022015). Collection method: clinical testing. Allele origin: germline.
Comment: This sequence change replaces lysine, which is basic and polar, with arginine, which is basic and polar, at codon 820 of the PRICKLE2 protein (p.Lys820Arg). This variant is present in population databases (rs138533058, gnomAD 0.009%). This variant has not been reported in the literature in individuals affected with PRICKLE2-related conditions. ClinVar contains an entry for this variant (Variation ID: 1008340). An algorithm developed to predict the effect of missense changes on protein structure and function (PolyPhen-2) suggests that this variant is likely to be tolerated. In summary, the available evidence is currently insufficient to determine the role of this variant in disease. Therefore, it has been classified as a Variant of Uncertain Significance.

Ambry Genetics
Classification: Uncertain significance. Last evaluated: 2023-09-25. Review status: criteria provided, single submitter. Criteria: Ambry Variant Classification Scheme 2023. Collection method: clinical testing. Allele origin: germline.

NM_198859.4(PRICKLE2):c.2459A>G (p.Lys820Arg)

Genes: PRICKLE2 (prickle planar cell polarity protein 2; minus strand), PRICKLE2-AS1 (PRICKLE2 antisense RNA 1; plus strand). Cytogenetic location: 3p14.1.
Variant type: single nucleotide variant.
Coding change: c.2459A>G on transcript NM_198859.4 (MANE Select); coding-DNA position 2459, A replaced by G.
Protein change: p.Lys820Arg; replaces lysine 820 with arginine.
Molecular consequence: missense variant. On other transcripts: non-coding transcript variant (1).
Genome position (GRCh38, 1-based): chr3:64,099,127, T>C on the plus strand (A>G on the coding strand, the complement: PRICKLE2 is on the minus strand). VCF-style: chr3-64099127-T-C. GRCh37 (hg19) VCF-style: chr3-64084803-T-C.
Other names: c.2459A>G, p.Lys820Arg (NM_001370528.1); c.2459A>G (NM_198859.3); short protein forms K820R.
Identifiers: ClinVar variation 1008340 (VCV001008340.6), dbSNP rs138533058, ClinGen allele CA2479432.